The following is an entry in ClinVar:

NM_001379500.1(COL18A1):c.2491C>T (p.Leu831Phe)

Gene: COL18A1 (collagen type XVIII alpha 1 chain; plus strand). Cytogenetic location: 21q22.3.
Variant type: single nucleotide variant.
Coding change: c.2491C>T on transcript NM_001379500.1 (MANE Select); coding-DNA position 2491, C replaced by T.
Protein change: p.Leu831Phe; replaces leucine 831 with phenylalanine.
Molecular consequence: missense variant.
Genome position (GRCh38, 1-based): chr21:45,495,415, C>T. VCF-style: chr21-45495415-C-T. GRCh37 (hg19) VCF-style: chr21-46915329-C-T.
Other names: c.3031C>T, p.Leu1011Phe (NM_030582.4); c.3736C>T, p.Leu1246Phe (NM_130444.3); short protein forms L1011F, L831F, L1246F.
Identifiers: ClinVar variation 1470888 (VCV001470888.6), dbSNP rs545931667, ClinGen allele CA10067117.

ClinVar aggregate classification (germline): Uncertain significance (1 of 4 stars; one submission).

Allele frequency attached by ClinVar (database versions not stated): gnomAD exomes below 0.00001; ExAC 0.00001; TOPMed 0.00001.
gnomAD v4.1: 6 of 1,610,954 alleles (0.00037%); highest among the groups gnomAD compares: African/African-American, 0.0027%; no homozygotes.

Submission:

Labcorp Genetics (formerly Invitae), Labcorp
Classification: Uncertain significance. Last evaluated: 2021-11-11. Review status: criteria provided, single submitter. Criteria: Invitae Variant Classification Sherloc (09022015). Collection method: clinical testing. Allele origin: germline.
Comment: In summary, the available evidence is currently insufficient to determine the role of this variant in disease. Therefore, it has been classified as a Variant of Uncertain Significance. Experimental studies and prediction algorithms are not available or were not evaluated, and the functional significance of this variant is currently unknown. This variant has not been reported in the literature in individuals affected with COL18A1-related conditions. The frequency data for this variant in the population databases is considered unreliable, as metrics indicate poor data quality at this position in the gnomAD database. This sequence change replaces leucine, which is neutral and non-polar, with phenylalanine, which is neutral and non-polar, at codon 831 of the COL18A1 protein (p.Leu831Phe).